The following is an entry in ClinVar:

NM_032409.3(PINK1):c.1130G>T (p.Cys377Phe)

Genes: PINK1 (PTEN induced kinase 1; plus strand), PINK1-AS (PINK1 antisense RNA; minus strand). Cytogenetic location: 1p36.12.
Variant type: single nucleotide variant.
Coding change: c.1130G>T on transcript NM_032409.3 (MANE Select); coding-DNA position 1130, G replaced by T.
Protein change: p.Cys377Phe; replaces cysteine 377 with phenylalanine.
Molecular consequence: missense variant. On other transcripts: non-coding transcript variant (1).
Genome position (GRCh38, 1-based): chr1:20,648,511, G>T. VCF-style: chr1-20648511-G-T. GRCh37 (hg19) VCF-style: chr1-20975004-G-T.
Other names: short protein forms C377F.
Identifiers: ClinVar variation 2200057 (VCV002200057.4), dbSNP rs34203620, ClinGen allele CA660716.
Genomic context (GRCh38, chr1:20,648,511, plus strand): 5'-CTCTCAGAGGGAAGGAGGGGAGGAGAAATGGTCACTTTGCTTGCTCCTTCCCAGACGGCT[G>T]CCCCTGGCTGGTGATCGCAGATTTTGGCTGCTGCCTGGCTGATGAGAGCATCGGCCTGCA-3'
Protein context (NP_115785.1, residues 367-387): NILVELDPDG[Cys377Phe]PWLVIADFGC

ClinVar aggregate classification (germline): Uncertain significance (1 of 4 stars; one submission).

Conditions:
Autosomal recessive early-onset Parkinson disease 6 (PARK6). Also called: PINK1 Type of Young-Onset Parkinson Disease; PARKINSON DISEASE 6, MODIFIER OF; PARKINSON DISEASE 6, EARLY-ONSET; PINK1-Related Parkinson Disease. Identifiers: Orphanet 2828, MedGen C1853833, MONDO:0011613, OMIM 605909.

Allele frequency attached by ClinVar (database versions not stated): TOPMed below 0.00001; ExAC 0.00002; gnomAD exomes 0.00002.
gnomAD v4.1: 35 of 1,614,218 alleles (0.0022%); highest among the groups gnomAD compares: Non-Finnish European, 0.0025%; no homozygotes.

Submission:

Labcorp Genetics (formerly Invitae), Labcorp
Classification: Uncertain significance for Autosomal recessive early-onset Parkinson disease 6. Last evaluated: 2022-04-29. Review status: criteria provided, single submitter. Criteria: Invitae Variant Classification Sherloc (09022015). Collection method: clinical testing. Allele origin: germline.
Comment: In summary, the available evidence is currently insufficient to determine the role of this variant in disease. Therefore, it has been classified as a Variant of Uncertain Significance. Algorithms developed to predict the effect of missense changes on protein structure and function are either unavailable or do not agree on the potential impact of this missense change (SIFT: "Tolerated"; PolyPhen-2: "Possibly Damaging"; Align-GVGD: "Class C0"). This sequence change replaces cysteine, which is neutral and slightly polar, with phenylalanine, which is neutral and non-polar, at codon 377 of the PINK1 protein (p.Cys377Phe). This variant is present in population databases (rs34203620, gnomAD 0.004%). This variant has not been reported in the literature in individuals affected with PINK1-related conditions.